The following is an entry in ClinVar:

NM_002474.3(MYH11):c.3823C>T (p.Arg1275Trp)

Gene: MYH11 (myosin heavy chain 11; minus strand). Cytogenetic location: 16p13.11.
Variant type: single nucleotide variant.
Coding change: c.3823C>T on transcript NM_002474.3 (MANE Select); coding-DNA position 3823, C replaced by T.
Protein change: p.Arg1275Trp; replaces arginine 1275 with tryptophan.
Molecular consequence: missense variant.
Genome position (GRCh38, 1-based): chr16:15,726,883, G>A on the plus strand (C>T on the coding strand, the complement: MYH11 is on the minus strand). VCF-style: chr16-15726883-G-A. GRCh37 (hg19) VCF-style: chr16-15820740-G-A.
Other names: c.3844C>T, p.Arg1282Trp (NM_001040113.2, NM_001040114.2); c.3823C>T, p.Arg1275Trp (NM_022844.3); c.3823C>T (NM_002474.2); short protein forms R1275W, R1282W.
Identifiers: ClinVar variation 918945 (VCV000918945.17), dbSNP rs1182738877, ClinGen allele CA394859994.

ClinVar aggregate classification (germline): Uncertain significance. Review status: criteria provided, multiple submitters, no conflicts (2 of 4 stars). 5 submissions from 5 submitters: Uncertain significance (5). Last evaluated 2026-06-02.

Conditions:
Visceral myopathy 2. Identifiers: MedGen C5543466, MONDO:0859157, OMIM 619350.
Aortic aneurysm, familial thoracic 4 (AAT4). Also called: AORTIC ANEURYSM/AORTIC DISSECTION AND PATENT DUCTUS ARTERIOSUS. Identifiers: MedGen C1851504, MONDO:0007568, OMIM 132900.
Megacystis-microcolon-intestinal hypoperistalsis syndrome 2. Identifiers: MedGen C5543476, MONDO:0025708, OMIM 619351.
Familial thoracic aortic aneurysm and aortic dissection (TAAD). Also called: Thoracic aortic aneurysms and dissections. Identifiers: Orphanet 91387, MedGen C4707243, MONDO:0019625.

gnomAD v4.1: 17 of 1,612,268 alleles (0.0011%); highest among the groups gnomAD compares: South Asian, 0.0055%; no homozygotes.

Submissions (5):

GeneDx
Classification: Uncertain significance. Last evaluated: 2026-06-02. Review status: criteria provided, single submitter. Criteria: GeneDx Variant Classification Process June 2021. Collection method: clinical testing. Allele origin: germline.
Comment: Not observed at significant frequency in large population cohorts (gnomAD); In silico analysis supports that this missense variant has a deleterious effect on protein structure/function; Has not been previously published as pathogenic or benign to our knowledge

Ambry Genetics
Classification: Uncertain significance for Familial thoracic aortic aneurysm and aortic dissection. Last evaluated: 2025-10-01. Review status: criteria provided, single submitter. Criteria: Ambry Variant Classification Scheme 2023. Collection method: clinical testing. Allele origin: germline.
Comment: The p.R1275W variant (also known as c.3823C>T), located in coding exon 27 of the MYH11 gene, results from a C to T substitution at nucleotide position 3823. The arginine at codon 1275 is replaced by tryptophan, an amino acid with dissimilar properties. This amino acid position is conserved. In addition, the in silico prediction for this alteration is inconclusive. Since supporting evidence is limited at this time, the clinical significance of this alteration remains unclear.

Labcorp Genetics (formerly Invitae), Labcorp
Classification: Uncertain significance for Aortic aneurysm, familial thoracic 4. Last evaluated: 2025-06-10. Review status: criteria provided, single submitter. Criteria: Invitae Variant Classification Sherloc (09022015). Collection method: clinical testing. Allele origin: germline.
Comment: This sequence change replaces arginine, which is basic and polar, with tryptophan, which is neutral and slightly polar, at codon 1282 of the MYH11 protein (p.Arg1282Trp). This variant is present in population databases (no rsID available, gnomAD 0.006%). This variant has not been reported in the literature in individuals affected with MYH11-related conditions. ClinVar contains an entry for this variant (Variation ID: 918945). Invitae Evidence Modeling of protein sequence and biophysical properties (such as structural, functional, and spatial information, amino acid conservation, physicochemical variation, residue mobility, and thermodynamic stability) indicates that this missense variant is not expected to disrupt MYH11 protein function with a negative predictive value of 95%. In summary, the available evidence is currently insufficient to determine the role of this variant in disease. Therefore, it has been classified as a Variant of Uncertain Significance.

Fulgent Genetics
Classification: Uncertain significance for Aortic aneurysm, familial thoracic 4; Visceral myopathy 2; Megacystis-microcolon-intestinal hypoperistalsis syndrome 2. Last evaluated: 2024-05-01. Review status: criteria provided, single submitter. Criteria: ACMG Guidelines, 2015. Collection method: clinical testing. Allele origin: germline.

Color Diagnostics, LLC DBA Color Health
Classification: Uncertain significance for Familial thoracic aortic aneurysm and aortic dissection. Last evaluated: 2024-03-07. Review status: criteria provided, single submitter. Criteria: ACMG Guidelines, 2015. Collection method: clinical testing. Allele origin: germline.
Comment: This missense variant replaces arginine with tryptophan at codon 1282 of the MYH11 protein. Computational prediction is inconclusive regarding the impact of this variant on protein structure and function (internally defined REVEL score threshold 0.5 < inconclusive < 0.7, PMID: 27666373). Splice site prediction tools suggest that this variant may not impact RNA splicing. To our knowledge, functional studies have not been reported for this variant. This variant has not been reported in individuals affected with cardiovascular disorders in the literature. This variant has been identified in 4/250104 chromosomes in the general population by the Genome Aggregation Database (gnomAD). The available evidence is insufficient to determine the role of this variant in disease conclusively. Therefore, this variant is classified as a Variant of Uncertain Significance.